The following is an entry in ClinVar:

ClinVar aggregate classification (germline): Conflicting classifications of pathogenicity. Review status: criteria provided, conflicting classifications (1 of 4 stars). 2 submissions from 2 submitters: Uncertain significance (1); Likely benign (1). Last evaluated 2024-10-28.

Conditions:
Inborn genetic diseases. Identifiers: MedGen C0950123, MeSH D030342.
Deafness-lymphedema-leukemia syndrome. Also called: Lymphedema, primary, with myelodysplasia; Emberger syndrome. Identifiers: Orphanet 3226, MedGen C3279664, MONDO:0013540, OMIM 614038.
Monocytopenia with susceptibility to infections. Also called: MONOCYTOPENIA AND MYCOBACTERIAL INFECTION SYNDROME; MONOCYTOPENIA WITH SUSCEPTIBILITY TO MYCOBACTERIAL, FUNGAL, AND PAPILLOMAVIRUS INFECTIONS AND MYELODYSPLASIA; COMBINED IMMUNODEFICIENCY WITH SUSCEPTIBILITY TO MYCOBACTERIAL, VIRAL, AND FUNGAL INFECTIONS; IMMUNODEFICIENCY 21; GATA2 DEFICIENCY; Dendritic cell, monocyte, B lymphocyte, and natural killer lymphocyte deficiency. Identifiers: Orphanet 228423, MedGen C3280030, MONDO:0013607, OMIM 614172.

Allele frequency attached by ClinVar (database versions not stated): gnomAD exomes 0.00001.

Submissions (2):

Ambry Genetics
Classification: Likely benign for Inborn genetic diseases. Last evaluated: 2024-10-28. Review status: criteria provided, single submitter. Criteria: Ambry Variant Classification Scheme 2023. Collection method: clinical testing. Allele origin: germline.

Labcorp Genetics (formerly Invitae), Labcorp
Classification: Uncertain significance for Monocytopenia with susceptibility to infections; Deafness-lymphedema-leukemia syndrome. Last evaluated: 2020-07-23. Review status: criteria provided, single submitter. Criteria: Invitae Variant Classification Sherloc (09022015). Collection method: clinical testing. Allele origin: germline.
Comment: In summary, the available evidence is currently insufficient to determine the role of this variant in disease. Therefore, it has been classified as a Variant of Uncertain Significance. Advanced modeling of protein sequence and biophysical properties (such as structural, functional, and spatial information, amino acid conservation, physicochemical variation, residue mobility, and thermodynamic stability) performed at Invitae indicates that this missense variant is not expected to disrupt GATA2 protein function. This variant has not been reported in the literature in individuals with GATA2-related conditions. This variant is not present in population databases (ExAC no frequency). This sequence change replaces glycine with arginine at codon 100 of the GATA2 protein (p.Gly100Arg). The glycine residue is weakly conserved and there is a moderate physicochemical difference between glycine and arginine.

NM_032638.5(GATA2):c.298G>C (p.Gly100Arg)

Gene: GATA2 (GATA binding protein 2; minus strand). Cytogenetic location: 3q21.3.
Variant type: single nucleotide variant.
Coding change: c.298G>C on transcript NM_032638.5 (MANE Select); coding-DNA position 298, G replaced by C.
Protein change: p.Gly100Arg; replaces glycine 100 with arginine.
Molecular consequence: missense variant.
Genome position (GRCh38, 1-based): chr3:128,486,300, C>G on the plus strand (G>C on the coding strand, the complement: GATA2 is on the minus strand). VCF-style: chr3-128486300-C-G. GRCh37 (hg19) VCF-style: chr3-128205143-C-G.
Other names: c.298G>C, p.Gly100Arg (NM_001145661.2, NM_001145662.1); c.298G>C (NM_032638.4); short protein forms G100R.
Identifiers: ClinVar variation 1003340 (VCV001003340.9), dbSNP rs1417506136, ClinGen allele CA354407506.